The following is an entry in ClinVar:

ClinVar aggregate classification (germline): Uncertain significance (1 of 4 stars; one submission).

Submission:

GeneDx
Classification: Uncertain significance. Last evaluated: 2026-02-05. Review status: criteria provided, single submitter. Criteria: GeneDx Variant Classification Process June 2021. Collection method: clinical testing. Allele origin: germline.
Comment: Not observed at significant frequency in large population cohorts (gnomAD); In silico analysis supports that this missense variant has a deleterious effect on protein structure/function; Has not been previously published as pathogenic or benign to our knowledge

NM_019597.5(HNRNPH2):c.932C>G (p.Pro311Arg)

Genes: HNRNPH2 (heterogeneous nuclear ribonucleoprotein H2; plus strand), RPL36A-HNRNPH2 (RPL36A-HNRNPH2 readthrough; plus strand). Cytogenetic location: Xq22.1.
Variant type: single nucleotide variant.
Coding change: c.932C>G on transcript NM_019597.5 (MANE Select); coding-DNA position 932, C replaced by G.
Protein change: p.Pro311Arg; replaces proline 311 with arginine.
Molecular consequence: missense variant. On other transcripts: 3 prime UTR variant (2).
Genome position (GRCh38, 1-based): chrX:101,412,920, C>G. VCF-style: chrX-101412920-C-G. GRCh37 (hg19) VCF-style: chrX-100667908-C-G.
Other names: c.*928C>G (NM_001199973.2, NM_001199974.2); c.932C>G, p.Pro311Arg (NM_001032393.3); short protein forms P311R.
Identifiers: ClinVar variation 4976321 (VCV004976321.1).
Genomic context (GRCh38, chrX:101,412,920, plus strand): 5'-TACACATGAGGGGGTTACCTTACAGAGCCACTGAGAATGATATTTATAATTTCTTCTCAC[C>G]TCTTAATCCCATGAGAGTACATATTGAAATTGGACCCGATGGCAGAGTTACCGGTGAGGC-3'
Protein context (NP_062543.1, residues 301-321): TENDIYNFFS[Pro311Arg]LNPMRVHIEI